The following is an entry in ClinVar:

ClinVar aggregate classification (germline): Uncertain significance (1 of 4 stars; one submission).

Conditions:
Myoclonic dystonia 11 (DYT11). Also called: DYT-SGCE; Myoclonic dystonia; Dystonia 11; Dystonia, alcohol responsive; Hereditary essential myoclonus; SGCE Myoclonus-Dystonia. Identifiers: Orphanet 36899, MedGen C1834570, MONDO:0008044, OMIM 159900.

Submission:

Labcorp Genetics (formerly Invitae), Labcorp
Classification: Uncertain significance for Myoclonic dystonia 11. Last evaluated: 2016-08-07. Review status: criteria provided, single submitter. Criteria: Invitae Variant Classification Sherloc (09022015). Collection method: clinical testing. Allele origin: germline.
Comment: This sequence change falls in intron 2 of the SGCE gene. It does not directly change the encoded amino acid sequence of the SGCE protein, but it affects a nucleotide within the consensus splice donor site of the intron. This variant is not present in population databases (ExAC no frequency) and has not been reported in the literature in individuals with a SGCE-related disease. Nucleotide substitutions within the consensus splice site are relatively common causes of aberrant splicing (PMID: 17576681, 9536098). Algorithms developed to predict the effect of nucleotide changes on RNA splicing suggest that this variant may alter RNA splicing, but this prediction has not been confirmed by published transcriptional studies. Nucleotide substitutions affecting the intron 2 splice donor site (c.232+1G>A and c.232+2T>C) are reported to be causative for dystonia (PMID: 16227522, 16227522 ). In summary, this is a novel intronic change with uncertain impact on splicing. It has been classified as a Variant of Uncertain Significance.

NM_003919.3(SGCE):c.232+5G>A

Genes: CASD1 (CAS1 domain sialic acid O acetyltransferase 1; plus strand), SGCE (sarcoglycan epsilon; minus strand). Cytogenetic location: 7q21.3.
Variant type: single nucleotide variant.
Coding change: c.232+5G>A on transcript NM_003919.3 (MANE Select); 5 bases into the intron after coding-DNA position 232, G replaced by A.
Molecular consequence: intron variant.
Genome position (GRCh38, 1-based): chr7:94,629,714, C>T on the plus strand (G>A on the coding strand, the complement: SGCE is on the minus strand). VCF-style: chr7-94629714-C-T. GRCh37 (hg19) VCF-style: chr7-94259026-C-T.
Other names: c.110-1355G>A (NM_001362809.2, NM_001301139.2); c.232+5G>A (NM_001346717.2, NM_001099400.2, NM_001099401.2); c.340+5G>A (NM_001346715.2, NM_001346713.2); c.145+5G>A (NM_001362807.2, NM_001346719.2); c.-42+5G>A (NM_001362808.2, NM_001346720.2).
Identifiers: ClinVar variation 464153 (VCV000464153.1), dbSNP rs1554359595, ClinGen allele CA658657700.